The following is an entry in ClinVar:

NM_015335.5(MED13L):c.475A>T (p.Lys159Ter)

Gene: MED13L (mediator complex subunit 13L; minus strand). Cytogenetic location: 12q24.21.
Variant type: single nucleotide variant.
Coding change: c.475A>T on transcript NM_015335.5 (MANE Select); coding-DNA position 475, A replaced by T.
Protein change: p.Lys159Ter; replaces lysine 159 with a stop codon.
Molecular consequence: nonsense.
Genome position (GRCh38, 1-based): chr12:116,096,673, T>A on the plus strand (A>T on the coding strand, the complement: MED13L is on the minus strand). VCF-style: chr12-116096673-T-A. GRCh37 (hg19) VCF-style: chr12-116534478-T-A.
Other names: short protein forms K159*.
Identifiers: ClinVar variation 1942153 (VCV001942153.5), dbSNP rs2500281214, ClinGen allele CA386926779.
Genomic context (GRCh38, chr12:116,096,673, plus strand): 5'-TCACCCACCCACAAGGCCAAAGAAACCAAAAAGCCAAGAGCATTCTAAAGGCTCACCTTT[T>A]GTTGACTGGCTTTTCATCCTTTTCGTAGGGTCGGACAAACCATTTCCCAATCCTAACGAA-3'

ClinVar aggregate classification (germline): Pathogenic (1 of 4 stars; one submission).

Conditions:
Dextro-looped transposition of the great arteries. Also called: Dextrotransposition of the great arteries. Identifiers: Orphanet 860, MedGen C3531771, MONDO:0019443, OMIM 608808, HP:0031348.

Submission:

Labcorp Genetics (formerly Invitae), Labcorp
Classification: Pathogenic for Dextro-looped transposition of the great arteries. Last evaluated: 2022-03-17. Review status: criteria provided, single submitter. Criteria: Invitae Variant Classification Sherloc (09022015). Collection method: clinical testing. Allele origin: germline.
Comment: This sequence change creates a premature translational stop signal (p.Lys159*) in the MED13L gene. It is expected to result in an absent or disrupted protein product. Loss-of-function variants in MED13L are known to be pathogenic (PMID: 25712080, 25758992). This variant is not present in population databases (gnomAD no frequency). This variant has not been reported in the literature in individuals affected with MED13L-related conditions. For these reasons, this variant has been classified as Pathogenic.

Literature cited by the submitters: PubMed 25712080; PubMed 25758992.